The following is an entry in ClinVar:

NM_025132.4(WDR19):c.388C>T (p.Arg130Ter)

Gene: WDR19 (WD repeat domain 19; plus strand). Cytogenetic location: 4p14.
Variant type: single nucleotide variant.
Coding change: c.388C>T on transcript NM_025132.4 (MANE Select); coding-DNA position 388, C replaced by T.
Protein change: p.Arg130Ter; replaces arginine 130 with a stop codon.
Molecular consequence: nonsense. On other transcripts: intron variant (1).
Genome position (GRCh38, 1-based): chr4:39,194,641, C>T. VCF-style: chr4-39194641-C-T. GRCh37 (hg19) VCF-style: chr4-39196261-C-T.
Other names: c.-74-4837C>T (NM_001317924.2); short protein forms R130*.
Identifiers: ClinVar variation 1071241 (VCV001071241.7), dbSNP rs778039192, ClinGen allele CA2891607.

ClinVar aggregate classification (germline): Pathogenic (1 of 4 stars; one submission).

Conditions:
Senior-Loken syndrome 8 (SLSN8). Identifiers: Orphanet 3156, MedGen C4225376, MONDO:0014579, OMIM 616307.
Asphyxiating thoracic dystrophy 5 (SRTD5). Also called: SHORT-RIB THORACIC DYSPLASIA 5 WITH OR WITHOUT POLYDACTYLY; SHORT-RIB THORACIC DYSPLASIA 5 WITHOUT POLYDACTYLY. Identifiers: Orphanet 474, MedGen C3280598, MONDO:0013717, OMIM 614376.

Allele frequency attached by ClinVar (database versions not stated): gnomAD exomes 0.00001; TOPMed 0.00001; ExAC 0.00002.

Submission:

Labcorp Genetics (formerly Invitae), Labcorp
Classification: Pathogenic for Senior-Loken syndrome 8; Asphyxiating thoracic dystrophy 5. Last evaluated: 2024-06-11. Review status: criteria provided, single submitter. Criteria: Invitae Variant Classification Sherloc (09022015). Collection method: clinical testing. Allele origin: germline.
Comment: This sequence change creates a premature translational stop signal (p.Arg130*) in the WDR19 gene. It is expected to result in an absent or disrupted protein product. Loss-of-function variants in WDR19 are known to be pathogenic (PMID: 22019273, 23559409, 23683095, 26275793, 27241786, 29068549). This variant is present in population databases (rs778039192, gnomAD 0.002%). This variant has not been reported in the literature in individuals affected with WDR19-related conditions. Algorithms developed to predict the effect of sequence changes on RNA splicing suggest that this variant may disrupt the consensus splice site. For these reasons, this variant has been classified as Pathogenic.

Literature cited by the submitters: PubMed 22019273; PubMed 23559409; PubMed 23683095; PubMed 26275793; PubMed 27241786; PubMed 29068549.